The following is an entry in ClinVar:

NM_005591.4(MRE11):c.449T>C (p.Val150Ala)

Gene: MRE11 (MRE11 double strand break repair nuclease; minus strand). Cytogenetic location: 11q21.
Variant type: single nucleotide variant.
Coding change: c.449T>C on transcript NM_005591.4 (MANE Select); coding-DNA position 449, T replaced by C.
Protein change: p.Val150Ala; replaces valine 150 with alanine.
Molecular consequence: missense variant. On other transcripts: 5 prime UTR variant (3), intron variant (3).
Genome position (GRCh38, 1-based): chr11:94,478,830, A>G on the plus strand (T>C on the coding strand, the complement: MRE11 is on the minus strand). VCF-style: chr11-94478830-A-G. GRCh37 (hg19) VCF-style: chr11-94211996-A-G.
Other names: c.449T>C, p.Val150Ala (NM_001330347.2, NM_001440460.1, NM_001440461.1 and 18 more transcripts); c.374T>C, p.Val125Ala (NM_001440471.1, NM_001440472.1, NM_001440479.1); c.-20T>C (NM_001440485.1, NM_001440486.1, NM_001440487.1); c.315-7071T>C (NM_001440483.1, NM_001440484.1, NM_001440482.1); short protein forms V125A, V150A.
Identifiers: ClinVar variation 4651155 (VCV004651155.1).
Genomic context (GRCh38, chr11:94,478,830, plus strand): 5'-TGAAGCAAAACCGGACTAATGTCTATCTTCTCCACAGACATTGAACGTCCAAAGTGATTT[A>G]CAAATCCAGCACAACTTAAAATGTCCAAGGCACAAAGTGCATCTGCCTATGCAAAATAAT-3'
Protein context (NP_005582.1, residues 140-160): ALDILSCAGF[Val150Ala]NHFGRSMSVE

ClinVar aggregate classification (germline): Uncertain significance (1 of 4 stars; one submission).

Conditions:
Hereditary cancer-predisposing syndrome. Also called: Neoplastic Syndromes, Hereditary; Tumor predisposition; Hereditary Cancer Syndrome; Hereditary neoplastic syndrome. Identifiers: Orphanet 140162, MedGen C0027672, MeSH D009386, MONDO:0015356.

gnomAD v4.1: 1 of 1,613,814 alleles (0.000062%); highest among the groups gnomAD compares: African/African-American, 0.0013%; no homozygotes.

Submission:

Ambry Genetics
Classification: Uncertain significance for Hereditary cancer-predisposing syndrome. Last evaluated: 2025-11-18. Review status: criteria provided, single submitter. Criteria: Ambry Variant Classification Scheme 2023. Collection method: clinical testing. Allele origin: germline.
Comment: The p.V150A variant (also known as c.449T>C), located in coding exon 5 of the MRE11A gene, results from a T to C substitution at nucleotide position 449. The valine at codon 150 is replaced by alanine, an amino acid with similar properties. This amino acid position is conserved. In addition, the in silico prediction for this alteration is inconclusive. Based on the available evidence, the clinical significance of this variant remains unclear.